The following is an entry in ClinVar:

NM_001458.5(FLNC):c.8062G>C (p.Gly2688Arg)

Genes: FLNC (filamin C; plus strand), FLNC-AS1 (FLNC antisense RNA 1; minus strand). Cytogenetic location: 7q32.1.
Variant type: single nucleotide variant.
Coding change: c.8062G>C on transcript NM_001458.5 (MANE Select); coding-DNA position 8062, G replaced by C.
Protein change: p.Gly2688Arg; replaces glycine 2688 with arginine.
Molecular consequence: missense variant.
Genome position (GRCh38, 1-based): chr7:128,858,407, G>C. VCF-style: chr7-128858407-G-C. GRCh37 (hg19) VCF-style: chr7-128498461-G-C.
Other names: c.7963G>C, p.Gly2655Arg (NM_001127487.2); short protein forms G2655R, G2688R.
Identifiers: ClinVar variation 4812364 (VCV004812364.1).

ClinVar aggregate classification (germline): Uncertain significance (1 of 4 stars; one submission).

Conditions:
Myofibrillar myopathy 5. Also called: FILAMINOPATHY, AUTOSOMAL DOMINANT; Filaminopathy (type). Identifiers: Orphanet 171445, MedGen C1836050, MONDO:0012289, OMIM 609524.
Distal myopathy with posterior leg and anterior hand involvement. Also called: WILLIAMS DISTAL MYOPATHY. Identifiers: Orphanet 63273, MedGen C3279722, MONDO:0013550, OMIM 614065.
Hypertrophic cardiomyopathy 26. Also called: Cardiomyopathy, familial hypertrophic, 26. Identifiers: Orphanet 75249, MedGen C4310749, MONDO:0014883, OMIM 617047.

Submission:

Labcorp Genetics (formerly Invitae), Labcorp
Classification: Uncertain significance for Distal myopathy with posterior leg and anterior hand involvement; Myofibrillar myopathy 5; Hypertrophic cardiomyopathy 26. Last evaluated: 2025-12-30. Review status: criteria provided, single submitter. Criteria: Invitae Variant Classification Sherloc (09022015). Collection method: clinical testing. Allele origin: germline.
Comment: This sequence change replaces glycine, which is neutral and non-polar, with arginine, which is basic and polar, at codon 2688 of the FLNC protein (p.Gly2688Arg). This variant is not present in population databases (gnomAD no frequency). This missense change has been observed in individual(s) with clinical features of FLNC-related conditions (PMID: 38374194). Invitae Evidence Modeling of protein sequence and biophysical properties (such as structural, functional, and spatial information, amino acid conservation, physicochemical variation, residue mobility, and thermodynamic stability) indicates that this missense variant is not expected to disrupt FLNC protein function with a negative predictive value of 80%. In summary, the available evidence is currently insufficient to determine the role of this variant in disease. Therefore, it has been classified as a Variant of Uncertain Significance.

Literature cited by the submitters: PubMed 38374194.